The following is an entry in ClinVar:

NM_005236.3(ERCC4):c.581del (p.Pro194fs)

Gene: ERCC4 (ERCC excision repair 4, endonuclease catalytic subunit; plus strand). Cytogenetic location: 16p13.12.
Variant type: Deletion.
Coding change: c.581del on transcript NM_005236.3 (MANE Select); coding-DNA position 581, one base deleted (C; older notation c.581delC).
Protein change: p.Pro194fs; shifts the reading frame from proline 194.
Molecular consequence: frameshift variant.
Genome position (GRCh38, 1-based): chr16:13,926,753, C deleted; the last of 2 consecutive C bases (chr16:13,926,752-13,926,753); deleting either gives the same sequence. VCF-style (leftmost placement, unchanged base first): chr16-13926751-GC-G. GRCh37 (hg19) VCF-style: chr16-14020608-GC-G.
Other names: short protein forms P194fs.
Identifiers: ClinVar variation 1709151 (VCV001709151.2), dbSNP rs2543169545, ClinGen allele CA2580090713.
Genomic context (GRCh38, chr16:13,926,751, plus strand): 5'-TGGTTTTTGTCATGTGGAAAGAGTGATGAGAAATCTTTTTGTGAGGAAACTGTATCTGTG[GC>G]CAAGGTAAAGAACATTATGTGACAAATAATGATGACATTATTTGTCATCTTTGTTTGTGA-3'

ClinVar aggregate classification (germline): Likely pathogenic (1 of 4 stars; one submission).

Conditions:
Xeroderma pigmentosum, group F (XPF). Also called: XERODERMA PIGMENTOSUM, COMPLEMENTATION GROUP F; XERODERMA PIGMENTOSUM VI; XP, GROUP F; ERCC4-Related Xeroderma Pigmentosum; XERODERMA PIGMENTOSUM, TYPE F; Xeroderma pigmentosum, type 6. Identifiers: MedGen C0268140, MONDO:0010215, OMIM 278760.

Submission:

MGZ Medical Genetics Center
Classification: Likely pathogenic for Xeroderma pigmentosum, group F. Last evaluated: 2022-02-22. Review status: criteria provided, single submitter. Criteria: ACMG Guidelines, 2015. Collection method: clinical testing. Allele origin: germline. Affected: yes. Observed: 2 variant alleles.
Comment: ACMG criteria applied: PVS1, PM2_SUP